The following is an entry in ClinVar:

NM_000350.3(ABCA4):c.2034G>T (p.Lys678Asn)

Gene: ABCA4 (ATP binding cassette subfamily A member 4; minus strand). Cytogenetic location: 1p22.1.
Variant type: single nucleotide variant.
Coding change: c.2034G>T on transcript NM_000350.3 (MANE Select); coding-DNA position 2034, G replaced by T.
Protein change: p.Lys678Asn; replaces lysine 678 with asparagine.
Molecular consequence: missense variant.
Genome position (GRCh38, 1-based): chr1:94,060,663, C>A on the plus strand (G>T on the coding strand, the complement: ABCA4 is on the minus strand). VCF-style: chr1-94060663-C-A. GRCh37 (hg19) VCF-style: chr1-94526219-C-A.
Other names: c.2034G>T, p.Lys678Asn (NM_001425324.1); short protein forms K678N.
Identifiers: ClinVar variation 853194 (VCV000853194.11), dbSNP rs1376036671, ClinGen allele CA341278685.

ClinVar aggregate classification (germline): Conflicting classifications of pathogenicity. Review status: criteria provided, conflicting classifications (1 of 4 stars). 3 submissions from 3 submitters: Pathogenic (1); Likely pathogenic (1); Uncertain significance (1). Last evaluated 2026-02-24.

Conditions:
Retinitis pigmentosa (RP). Identifiers: Orphanet 791, MedGen C0035334, MeSH D012174, MONDO:0019200, OMIM 268000. Inheritance: Autosomal dominant, autosomal recessive and X linked inheritance.

gnomAD v4.1: 3 of 1,614,160 alleles (0.00019%); highest among the groups gnomAD compares: Non-Finnish European, 0.00017%; no homozygotes.

Submissions (3):

Women's Health and Genetics/Laboratory Corporation of America, LabCorp
Classification: Likely pathogenic for Retinitis pigmentosa. Last evaluated: 2026-02-24. Review status: criteria provided, single submitter. Criteria: LabCorp Variant Classification Summary - May 2015. Collection method: clinical testing. Allele origin: germline.
Comment: Variant summary: ABCA4 c.2034G>T (p.Lys678Asn) results in a non-conservative amino acid change in the encoded protein sequence. Algorithms developed to predict the effect of missense changes on protein structure and function all suggest that this variant is likely to be disruptive. The variant allele was found at a frequency of 4e-06 in 251130 control chromosomes (gnomAD). c.2034G>T has been observed in individuals affected with inherited retinal diseases and stargardt disease (Boulanger-Scemama_2015, Zaneveld_2015, Park_2020, Hu_2020, Li_2023). These data indicate that the variant is likely to be associated with disease. To our knowledge, no experimental evidence demonstrating an impact on protein function has been reported. The following publications have been ascertained in the context of this evaluation (PMID: 26103963, 33129279, 36729443, 37009079, 25474345). ClinVar contains an entry for this variant (Variation ID: 853194). Based on the evidence outlined above, the variant was classified as likely pathogenic.

Labcorp Genetics (formerly Invitae), Labcorp
Classification: Pathogenic. Last evaluated: 2025-03-04. Review status: criteria provided, single submitter. Criteria: Invitae Variant Classification Sherloc (09022015). Collection method: clinical testing. Allele origin: germline.
Comment: This sequence change replaces lysine, which is basic and polar, with asparagine, which is neutral and polar, at codon 678 of the ABCA4 protein (p.Lys678Asn). This variant is present in population databases (no rsID available, gnomAD 0.0009%). This missense change has been observed in individual(s) with inherited retinal disorders and/or Stargardt disease (PMID: 25474345, 26103963, 33129279). In at least one individual the data is consistent with being in trans (on the opposite chromosome) from a pathogenic variant. ClinVar contains an entry for this variant (Variation ID: 853194). Invitae Evidence Modeling of protein sequence and biophysical properties (such as structural, functional, and spatial information, amino acid conservation, physicochemical variation, residue mobility, and thermodynamic stability) indicates that this missense variant is expected to disrupt ABCA4 protein function with a positive predictive value of 95%. For these reasons, this variant has been classified as Pathogenic.

Blueprint Genetics
Classification: Uncertain significance. Last evaluated: 2021-11-09. Review status: criteria provided, single submitter. Criteria: ACMG Guidelines, 2015. Collection method: clinical testing. Allele origin: germline.

Literature cited by the submitters: PubMed 25474345 (cited by Women's Health and Genetics/Laboratory Corporation of America, LabCorp and Labcorp Genetics (formerly Invitae), Labcorp); PubMed 36729443 (cited by Women's Health and Genetics/Laboratory Corporation of America, LabCorp); PubMed 37009079 (cited by Women's Health and Genetics/Laboratory Corporation of America, LabCorp); PubMed 26103963 (cited by Women's Health and Genetics/Laboratory Corporation of America, LabCorp and Labcorp Genetics (formerly Invitae), Labcorp); PubMed 33129279 (cited by Women's Health and Genetics/Laboratory Corporation of America, LabCorp and Labcorp Genetics (formerly Invitae), Labcorp).